The following is an entry in ClinVar:

ClinVar aggregate classification (germline): Pathogenic. Review status: criteria provided, multiple submitters, no conflicts (2 of 4 stars). 4 submissions from 4 submitters: Pathogenic (3). 1 of the submissions does not count toward it. Last evaluated 2024-01-03.

Conditions:
Gastric cancer. Also called: Stomach cancer; Malignant tumor of stomach. Identifiers: MedGen C0024623, MeSH D013274, MONDO:0001056, OMIM 613659, HP:0012126.
Hereditary cancer-predisposing syndrome. Also called: Neoplastic Syndromes, Hereditary; Tumor predisposition; Hereditary Cancer Syndrome; Hereditary neoplastic syndrome. Identifiers: Orphanet 140162, MedGen C0027672, MeSH D009386, MONDO:0015356.
Fanconi anemia complementation group O. Also called: RAD51C-Related Fanconi Anemia. Identifiers: Orphanet 84, MedGen C3150653, MONDO:0013248, OMIM 613390.
Breast-ovarian cancer, familial, susceptibility to, 3. Also called: RAD51C-Related Breast/Ovarian Cancer. Identifiers: Orphanet 145, MedGen C3150659, MONDO:0013253, OMIM 613399.

Submissions (4):

Myriad Genetics, Inc.
Classification: Pathogenic for Breast-ovarian cancer, familial, susceptibility to, 3. Last evaluated: 2024-01-03. Review status: criteria provided, single submitter. Criteria: Myriad Autosomal Dominant, Autosomal Recessive and X-Linked Classification Criteria (2023). Collection method: clinical testing. Allele origin: unknown.
Comment: This variant is considered pathogenic. This variant creates a termination codon and is predicted to result in premature protein truncation.

Labcorp Genetics (formerly Invitae), Labcorp
Classification: Pathogenic for Fanconi anemia complementation group O. Last evaluated: 2023-12-11. Review status: criteria provided, single submitter. Criteria: Invitae Variant Classification Sherloc (09022015). Collection method: clinical testing. Allele origin: germline.
Comment: This sequence change creates a premature translational stop signal (p.Gln267*) in the RAD51C gene. It is expected to result in an absent or disrupted protein product. Loss-of-function variants in RAD51C are known to be pathogenic (PMID: 20400964, 21990120, 24800917, 29278735). This variant is not present in population databases (gnomAD no frequency). This variant has not been reported in the literature in individuals affected with RAD51C-related conditions. ClinVar contains an entry for this variant (Variation ID: 1761543). For these reasons, this variant has been classified as Pathogenic.

Ambry Genetics
Classification: Pathogenic for Hereditary cancer-predisposing syndrome. Last evaluated: 2019-04-13. Review status: criteria provided, single submitter. Criteria: Ambry Variant Classification Scheme 2023. Collection method: clinical testing. Allele origin: germline.
Comment: The p.Q267* variant (also known as c.799C>T), located in coding exon 5 of the RAD51C gene, results from a C to T substitution at nucleotide position 799. This changes the amino acid from a glutamine to a stop codon within coding exon 5. This alteration is expected to result in loss of function by premature protein truncation or nonsense-mediated mRNA decay. As such, this alteration is interpreted as a disease-causing mutation.

Laboratory for Genotyping Development, RIKEN
Classification: Pathogenic for Gastric cancer. Last evaluated: 2021-07-01. Review status: no assertion criteria provided. Collection method: research. Allele origin: germline. Not counted in ClinVar's aggregate classification.

Literature cited by the submitters: PubMed 20400964 (cited by Labcorp Genetics (formerly Invitae), Labcorp); PubMed 21990120 (cited by Labcorp Genetics (formerly Invitae), Labcorp); PubMed 24800917 (cited by Labcorp Genetics (formerly Invitae), Labcorp); PubMed 29278735 (cited by Labcorp Genetics (formerly Invitae), Labcorp); PubMed 36988593 (cited by Laboratory for Genotyping Development, RIKEN).

NM_058216.3(RAD51C):c.799C>T (p.Gln267Ter)

Gene: RAD51C (RAD51 paralog C; plus strand). Cytogenetic location: 17q22.
Variant type: single nucleotide variant.
Coding change: c.799C>T on transcript NM_058216.3 (MANE Select); coding-DNA position 799, C replaced by T.
Protein change: p.Gln267Ter; replaces glutamine 267 with a stop codon.
Molecular consequence: nonsense. On other transcripts: non-coding transcript variant (1).
Genome position (GRCh38, 1-based): chr17:58,709,952, C>T. VCF-style: chr17-58709952-C-T. GRCh37 (hg19) VCF-style: chr17-56787313-C-T.
Other names: c.*227C>T (NM_058217.1); short protein forms Q267*.
Identifiers: ClinVar variation 1761543 (VCV001761543.23), dbSNP rs2143853726, ClinGen allele CA400354128.